The following is an entry in ClinVar:

NM_199242.3(UNC13D):c.2710-8C>G

Genes: UNC13D (unc-13 homolog D; minus strand), LOC112533672 (Sharpr-MPRA regulatory region 1193; plus strand). Cytogenetic location: 17q25.1.
Variant type: single nucleotide variant.
Coding change: c.2710-8C>G on transcript NM_199242.3 (MANE Select); 8 bases into the intron before coding-DNA position 2710, C replaced by G.
Molecular consequence: intron variant.
Genome position (GRCh38, 1-based): chr17:75,830,490, G>C on the plus strand (C>G on the coding strand, the complement: UNC13D is on the minus strand). VCF-style: chr17-75830490-G-C. GRCh37 (hg19) VCF-style: chr17-73826571-G-C.
Identifiers: ClinVar variation 1586829 (VCV001586829.8), dbSNP rs545824447, ClinGen allele CA8772407.
Genomic context (GRCh38, chr17:75,830,490, plus strand): 5'-CGGTAGGAGGCCTTGACTGTCACAGCCCCCAGCTCCTCAGAGGTGGTTTCTGCCTGGGGT[G>C]GGGAGCAGGGGCAGGGTCAGCAGGGTCACAGCGGGAGCGGGGTGCTCCAGGGCCTGCAGA-3'

ClinVar aggregate classification (germline): Conflicting classifications of pathogenicity. Review status: criteria provided, conflicting classifications (1 of 4 stars). 2 submissions from 2 submitters: Uncertain significance (1); Benign (1). Last evaluated 2026-01-13.

Conditions:
Familial hemophagocytic lymphohistiocytosis 3 (FHL3). Also called: UNC13D-Related Familial Hemophagocytic Lymphohistiocytosis (UNC13D-fHLH). Identifiers: Orphanet 540, MedGen C1837174, MONDO:0012146, OMIM 608898.

Allele frequency attached by ClinVar (database versions not stated): gnomAD 0.00007; gnomAD exomes 0.00057; 1000 Genomes Project 30x 0.00062; 1000 Genomes Project 0.00080; ExAC 0.00145.
gnomAD v4.1: 340 of 1,591,398 alleles (0.021%); highest among the groups gnomAD compares: South Asian, 0.38%; 12 homozygotes.

Submissions (2):

Labcorp Genetics (formerly Invitae), Labcorp
Classification: Benign for Familial hemophagocytic lymphohistiocytosis 3. Last evaluated: 2026-01-13. Review status: criteria provided, single submitter. Criteria: Invitae Variant Classification Sherloc (09022015). Collection method: clinical testing. Allele origin: germline.

Center for Genomics, Ann and Robert H. Lurie Children's Hospital of Chicago
Classification: Uncertain significance for Familial hemophagocytic lymphohistiocytosis 3. Last evaluated: 2021-07-23. Review status: criteria provided, single submitter. Criteria: ACMG Guidelines, 2015. Collection method: clinical testing. Allele origin: germline.
Comment: UNC13D NM_199242.2 intron 28 c.2710-8C>G: This variant has not been reported in the literature but is present in 0.2% (11/4836) of South Asian alleles in the Genome Aggregation Database. Evolutionary conservation and computational predictive tools for this variant are limited or unavailable. This variant is an intronic variant with no predicted change in the amino acid sequence but may have an unknown effect on splicing. Computational prediction tools do not suggest that it alters splicing. However, further studies are needed to understand its impact. In summary, data on this variant is insufficient for disease classification. Therefore, the clinical significance of this variant is uncertain.